The following is an entry in ClinVar:

NM_000051.4(ATM):c.*3413T>C

Genes: C11orf65 (chromosome 11 open reading frame 65; minus strand), ATM (ATM serine/threonine kinase; plus strand). Cytogenetic location: 11q22.3.
Variant type: single nucleotide variant.
Coding change: c.*3413T>C on transcript NM_000051.4 (MANE Select); 3413 bases downstream of the stop codon, T replaced by C.
Molecular consequence: 3 prime UTR variant. On other transcripts: intron variant (2).
Genome position (GRCh38, 1-based): chr11:108,368,921, T>C. VCF-style: chr11-108368921-T-C. GRCh37 (hg19) VCF-style: chr11-108239648-T-C.
Other names: c.*3413T>C (NM_001351834.2); c.640+16999A>G (NM_001330368.2); c.694+16999A>G (NM_001351110.2).
Identifiers: ClinVar variation 877112 (VCV000877112.6), dbSNP rs4987114, ClinGen allele CA228386893.

ClinVar aggregate classification (germline): Benign (1 of 4 stars; one submission).

Conditions:
Ataxia-telangiectasia syndrome (AT). Also called: ATAXIA-TELANGIECTASIA, COMPLEMENTATION GROUP A; ATAXIA-TELANGIECTASIA, FRESNO VARIANT; Ataxia-telangiectasia; Ataxia-telangiectasia, complementation group D; AT, COMPLEMENTATION GROUP C; Ataxia-telangiectasia, complementation group E. Identifiers: Orphanet 100, MedGen C0004135, MONDO:0008840, OMIM 208900.

Allele frequency attached by ClinVar (database versions not stated): TOPMed 0.00193; gnomAD exomes 0.00934; gnomAD 0.00171 and 0.00100; 1000 Genomes Project 30x 0.00734; 1000 Genomes Project 0.00859.
gnomAD v4.1: 622 of 194,454 alleles (0.32%); highest among the groups gnomAD compares: East Asian, 4.8%; 16 homozygotes.

Submission:

Illumina Laboratory Services, Illumina
Classification: Benign for Ataxia-telangiectasia syndrome. Last evaluated: 2017-04-27. Review status: criteria provided, single submitter. Criteria: ICSL Variant Classification Criteria 13 December 2019. Collection method: clinical testing. Allele origin: germline.
Comment: This variant was observed as part of a predisposition screen in an ostensibly healthy population. A literature search was performed for the gene, cDNA change, and amino acid change (where applicable). Publications were found based on this search. The evidence from the literature, in combination with allele frequency data from public databases where available, was sufficient to rule this variant out of causing disease. Therefore, this variant is classified as benign.

Literature cited by the submitters: PubMed 17640065; PubMed 22529920.